The following is an entry in ClinVar:

ClinVar aggregate classification (germline): Uncertain significance. Review status: criteria provided, multiple submitters, no conflicts (2 of 4 stars). 5 submissions from 5 submitters: Uncertain significance (5). Last evaluated 2025-11-04.

Conditions:
Wolff-Parkinson-White pattern. Also called: Auriculoventricular accessory pathway syndrome; False bundle branch block syndrome; Anomalous ventricular excitation syndrome; WPW SYNDROME. Identifiers: MedGen C0043202, MONDO:0008685, OMIM 194200, HP:0001716.
Hypertrophic cardiomyopathy. Also called: HYPERTROPHIC MYOCARDIOPATHY. Identifiers: Orphanet 217569, MedGen C0007194, MeSH D002312, MONDO:0005045, HP:0001639.
Cardiovascular phenotype. Identifiers: MedGen CN230736.
Cardiomyopathy (CMYO). Also called: Cardiomyopathies. Identifiers: Orphanet 167848, MedGen C0878544, MONDO:0004994, HP:0001638. Inheritance: Various modes of inheritance.

Allele frequency attached by ClinVar (database versions not stated): TOPMed below 0.00001; gnomAD 0.00001.
gnomAD v4.1: 5 of 1,613,986 alleles (0.00031%); highest among the groups gnomAD compares: Admixed American, 0.0017%; no homozygotes.

Submissions (5):

Color Diagnostics, LLC DBA Color Health
Classification: Uncertain significance for Cardiomyopathy. Last evaluated: 2025-11-04. Review status: criteria provided, single submitter. Criteria: ACMG Guidelines, 2015. Collection method: clinical testing. Allele origin: germline.
Comment: This missense variant replaces glutamic acid with lysine at codon 183 of the PRKAG2 protein. Computational prediction suggests that this variant may not impact protein structure and function. To our knowledge, functional studies have not been reported for this variant. This variant has been reported in two related individuals affected with hypertrophic cardiomyopathy (PMID: 37496383). This variant has been identified in 5/1613986 chromosomes in the general population by the Genome Aggregation Database (gnomAD). The available evidence is insufficient to determine the role of this variant in disease conclusively. Therefore, this variant is classified as a Variant of Uncertain Significance.

Ambry Genetics
Classification: Uncertain significance for Cardiovascular phenotype. Last evaluated: 2025-09-10. Review status: criteria provided, single submitter. Criteria: Ambry Variant Classification Scheme 2023. Collection method: clinical testing. Allele origin: germline.
Comment: The p.E183K variant (also known as c.547G>A), located in coding exon 4 of the PRKAG2 gene, results from a G to A substitution at nucleotide position 547. The glutamic acid at codon 183 is replaced by lysine, an amino acid with similar properties. This variant was reported in an individual(s) with Wolff-Parkinson-White syndrome and multiple additional non-cardiovascular findings (Bowling KM et al. Genome Med, 2017 May;9:43). This amino acid position is highly conserved in available vertebrate species. In addition, the in silico prediction for this alteration is inconclusive. Based on the available evidence, the clinical significance of this variant remains unclear.

All of Us Research Program, National Institutes of Health
Classification: Uncertain significance for Hypertrophic cardiomyopathy. Last evaluated: 2024-03-05. Review status: criteria provided, single submitter. Criteria: ACMG Guidelines, 2015. Collection method: clinical testing. Allele origin: germline. Inheritance: Autosomal dominant inheritance. Observed: 2 variant alleles, 2 heterozygotes.
Comment: This missense variant replaces glutamic acid with lysine at codon 183 of the PRKAG2 protein. Computational prediction suggests that this variant may not impact protein structure and function (internally defined REVEL score threshold <= 0.5, PMID: 27666373). To our knowledge, functional studies have not been reported for this variant. This variant has not been reported in individuals affected with cardiovascular disorders in the literature. This variant has been identified in 2/251482 chromosomes in the general population by the Genome Aggregation Database (gnomAD). The available evidence is insufficient to determine the role of this variant in disease conclusively. Therefore, this variant is classified as a Variant of Uncertain Significance.

This study involves interpretation of variants in research participants for the purpose of population health screening. Participant phenotype was not available at the time of variant classification. Additional details can be found in publication PMID: 35346344, PMCID: PMC8962531

HudsonAlpha Institute for Biotechnology
Classification: Uncertain significance for Wolff-Parkinson-White pattern. Last evaluated: 2023-03-15. Review status: criteria provided, single submitter. Criteria: HA_assertions_20150911. Collection method: research. Allele origin: maternal. Affected: yes. Observed: 1 variant allele. Study: CSER-HudsonAlpha.

Blueprint Genetics
Classification: Uncertain significance. Last evaluated: 2020-11-03. Review status: criteria provided, single submitter. Criteria: ACMG Guidelines, 2015. Collection method: clinical testing. Allele origin: germline.

Literature cited by the submitters: PubMed 37496383 (cited by Color Diagnostics, LLC DBA Color Health); PubMed 28554332 (cited by Ambry Genetics); PubMed 31589614 (cited by Ambry Genetics).

NM_016203.4(PRKAG2):c.547G>A (p.Glu183Lys)

Gene: PRKAG2 (protein kinase AMP-activated non-catalytic subunit gamma 2; minus strand). Cytogenetic location: 7q36.1.
Variant type: single nucleotide variant.
Coding change: c.547G>A on transcript NM_016203.4 (MANE Select); coding-DNA position 547, G replaced by A.
Protein change: p.Glu183Lys; replaces glutamic acid 183 with lysine.
Molecular consequence: missense variant.
Genome position (GRCh38, 1-based): chr7:151,675,557, C>T on the plus strand (G>A on the coding strand, the complement: PRKAG2 is on the minus strand). VCF-style: chr7-151675557-C-T. GRCh37 (hg19) VCF-style: chr7-151372643-C-T.
Other names: c.547G>A (NM_016203.3); c.415G>A, p.Glu139Lys (NM_001040633.2); c.175G>A, p.Glu59Lys (NM_001304527.2, NM_001363698.2); short protein forms E183K, E59K, E139K.
Identifiers: ClinVar variation 430968 (VCV000430968.11), dbSNP rs1131692281, ClinGen allele CA370187934.
Genomic context (GRCh38, chr7:151,675,557, plus strand): 5'-TCTGCCCTGTGTCCGGGGGGGAAGACGAGGCATAGATGCGATTCTCTAACCGTTCAGGCT[C>T]GTGCTTATAGGATTCCAGGGGAAACGTGTGCTGCTTGGTCACTTGGGTGGGTGTTGACGG-3'
Protein context (NP_057287.2, residues 173-193): HTFPLESYKH[Glu183Lys]PERLENRIYA